The following is an entry in ClinVar:

NC_000005.9:g.(?_1258693)_(1268768_?)dup

Gene: TERT (telomerase reverse transcriptase; minus strand). Cytogenetic location: 5p15.33.
Variant type: Duplication.
Identifiers: ClinVar variation 3246403 (VCV003246403.1).

ClinVar aggregate classification (germline): Uncertain significance (1 of 4 stars; one submission).

Conditions:
Idiopathic Pulmonary Fibrosis. Also called: Idiopathic fibrosing alveolitis, chronic form; idiopathic fibrosing alveolitis. Identifiers: Orphanet 2032, MedGen C1800706, MeSH D054990, MONDO:0800504.
Dyskeratosis congenita, autosomal dominant 2. Identifiers: MedGen C3151443, MONDO:0013521, OMIM 613989.

Submission:

Labcorp Genetics (formerly Invitae), Labcorp
Classification: Uncertain significance for Dyskeratosis congenita, autosomal dominant 2; Idiopathic Pulmonary Fibrosis. Last evaluated: 2023-11-19. Review status: criteria provided, single submitter. Criteria: Invitae Variant Classification Sherloc (09022015). Collection method: clinical testing. Allele origin: unknown.
Comment: This variant results in a copy number gain of the genomic region encompassing exon(s) 9-13 of the TERT gene. While the exact position of this variant cannot be determined from the data, sub-genic copy number gains are generally in tandem (PMID: 25640679). This variant is predicted to be in-frame, and likely preserves the integrity of the reading frame. This variant has not been reported in the literature in individuals affected with TERT-related conditions. In summary, the available evidence is currently insufficient to determine the role of this variant in disease. Therefore, it has been classified as a Variant of Uncertain Significance.

Literature cited by the submitters: PubMed 25640679.